The following is an entry in ClinVar:

NM_000540.3(RYR1):c.13385C>T (p.Pro4462Leu)

Gene: RYR1 (ryanodine receptor 1; plus strand). Cytogenetic location: 19q13.2.
Variant type: single nucleotide variant.
Coding change: c.13385C>T on transcript NM_000540.3 (MANE Select); coding-DNA position 13385, C replaced by T.
Protein change: p.Pro4462Leu; replaces proline 4462 with leucine.
Molecular consequence: missense variant.
Genome position (GRCh38, 1-based): chr19:38,565,719, C>T. VCF-style: chr19-38565719-C-T. GRCh37 (hg19) VCF-style: chr19-39056359-C-T.
Other names: c.13370C>T, p.Pro4457Leu (NM_001042723.2); short protein forms P4462L, P4457L.
Identifiers: ClinVar variation 568537 (VCV000568537.12), dbSNP rs1012029407, ClinGen allele CA308109723.

ClinVar aggregate classification (germline): Uncertain significance. Review status: criteria provided, multiple submitters, no conflicts (2 of 4 stars). 2 submissions from 2 submitters: Uncertain significance (2). Last evaluated 2023-06-07.

Conditions:
RYR1-related disorder. Also called: RYR1-related disorders; RYR1-related condition. Identifiers: MedGen CN239331.
Inborn genetic diseases. Identifiers: MedGen C0950123, MeSH D030342.

Allele frequency attached by ClinVar (database versions not stated): TOPMed 0.00001.

Submissions (2):

Ambry Genetics
Classification: Uncertain significance for Inborn genetic diseases. Last evaluated: 2023-06-07. Review status: criteria provided, single submitter. Criteria: Ambry Variant Classification Scheme 2023. Collection method: clinical testing. Allele origin: germline.

Labcorp Genetics (formerly Invitae), Labcorp
Classification: Uncertain significance for RYR1-related disorder. Last evaluated: 2023-03-19. Review status: criteria provided, single submitter. Criteria: Invitae Variant Classification Sherloc (09022015). Collection method: clinical testing. Allele origin: germline.
Comment: ClinVar contains an entry for this variant (Variation ID: 568537). This sequence change replaces proline, which is neutral and non-polar, with leucine, which is neutral and non-polar, at codon 4462 of the RYR1 protein (p.Pro4462Leu). This variant is not present in population databases (gnomAD no frequency). This variant has not been reported in the literature in individuals affected with RYR1-related conditions. Advanced modeling of protein sequence and biophysical properties (such as structural, functional, and spatial information, amino acid conservation, physicochemical variation, residue mobility, and thermodynamic stability) has been performed at Invitae for this missense variant, however the output from this modeling did not meet the statistical confidence thresholds required to predict the impact of this variant on RYR1 protein function. In summary, the available evidence is currently insufficient to determine the role of this variant in disease. Therefore, it has been classified as a Variant of Uncertain Significance.